The following is an entry in ClinVar:

NM_003839.4(TNFRSF11A):c.95C>T (p.Pro32Leu)

Gene: TNFRSF11A (TNF receptor superfamily member 11a; plus strand). Cytogenetic location: 18q21.33.
Variant type: single nucleotide variant.
Coding change: c.95C>T on transcript NM_003839.4 (MANE Select); coding-DNA position 95, C replaced by T.
Protein change: p.Pro32Leu; replaces proline 32 with leucine.
Molecular consequence: missense variant.
Genome position (GRCh38, 1-based): chr18:62,348,187, C>T. VCF-style: chr18-62348187-C-T. GRCh37 (hg19) VCF-style: chr18-60015420-C-T.
Other names: c.95C>T, p.Pro32Leu (NM_001270949.2, NM_001270950.2, NM_001270951.2 and 1 more transcripts); short protein forms P32L.
Identifiers: ClinVar variation 2999585 (VCV002999585.3), dbSNP rs752545698, ClinGen allele CA8983642.

ClinVar aggregate classification (germline): Uncertain significance (1 of 4 stars; one submission).

Allele frequency attached by ClinVar (database versions not stated): TOPMed 0.00001; gnomAD 0.00002.
gnomAD v4.1: 16 of 1,613,982 alleles (0.00099%); highest among the groups gnomAD compares: Non-Finnish European, 0.0012%; no homozygotes.

Submission:

Labcorp Genetics (formerly Invitae), Labcorp
Classification: Uncertain significance. Last evaluated: 2025-10-01. Review status: criteria provided, single submitter. Criteria: Invitae Variant Classification Sherloc (09022015). Collection method: clinical testing. Allele origin: germline.
Comment: This sequence change replaces proline, which is neutral and non-polar, with leucine, which is neutral and non-polar, at codon 32 of the TNFRSF11A protein (p.Pro32Leu). This variant is present in population databases (rs752545698, gnomAD 0.002%). This variant has not been reported in the literature in individuals affected with TNFRSF11A-related conditions. ClinVar contains an entry for this variant (Variation ID: 2999585). Invitae Evidence Modeling of protein sequence and biophysical properties (such as structural, functional, and spatial information, amino acid conservation, physicochemical variation, residue mobility, and thermodynamic stability) indicates that this missense variant is not expected to disrupt TNFRSF11A protein function with a negative predictive value of 80%. In summary, the available evidence is currently insufficient to determine the role of this variant in disease. Therefore, it has been classified as a Variant of Uncertain Significance.